The following is an entry in ClinVar:

ClinVar aggregate classification (germline): Uncertain significance. Review status: criteria provided, multiple submitters, no conflicts (2 of 4 stars). 2 submissions from 2 submitters: Uncertain significance (2). Last evaluated 2023-05-18.

Conditions:
Epileptic encephalopathy. Identifiers: MedGen C0543888, HP:0200134.

Allele frequency attached by ClinVar (database versions not stated): gnomAD 0.00001 and 0.00003; TOPMed 0.00001; ExAC 0.00002; gnomAD exomes 0.00003 and 0.00005; 1000 Genomes Project 0.00020; 1000 Genomes Project 30x 0.00031.
gnomAD v4.1: 33 of 1,609,564 alleles (0.0021%); highest among the groups gnomAD compares: Non-Finnish European, 0.0027%; no homozygotes.

Submissions (2):

Ambry Genetics
Classification: Uncertain significance. Last evaluated: 2023-05-18. Review status: criteria provided, single submitter. Criteria: Ambry Variant Classification Scheme 2023. Collection method: clinical testing. Allele origin: germline.

Labcorp Genetics (formerly Invitae), Labcorp
Classification: Uncertain significance for Epileptic encephalopathy. Last evaluated: 2020-09-15. Review status: criteria provided, single submitter. Criteria: Invitae Variant Classification Sherloc (09022015). Collection method: clinical testing. Allele origin: germline.
Comment: In summary, the available evidence is currently insufficient to determine the role of this variant in disease. Therefore, it has been classified as a Variant of Uncertain Significance. Algorithms developed to predict the effect of missense changes on protein structure and function are either unavailable or do not agree on the potential impact of this missense change (SIFT: "Deleterious"; PolyPhen-2: "Possibly Damaging"; Align-GVGD: "Class C0"). This variant has not been reported in the literature in individuals with RYR3-related conditions. ClinVar contains an entry for this variant (Variation ID: 640662). This variant is present in population databases (rs551472479, ExAC 0.004%). This sequence change replaces phenylalanine with leucine at codon 2871 of the RYR3 protein (p.Phe2871Leu). The phenylalanine residue is highly conserved and there is a small physicochemical difference between phenylalanine and leucine.

NM_001036.6(RYR3):c.8611T>C (p.Phe2871Leu)

Gene: RYR3 (ryanodine receptor 3; plus strand). Cytogenetic location: 15q14.
Variant type: single nucleotide variant.
Coding change: c.8611T>C on transcript NM_001036.6 (MANE Select); coding-DNA position 8611, T replaced by C.
Protein change: p.Phe2871Leu; replaces phenylalanine 2871 with leucine.
Molecular consequence: missense variant.
Genome position (GRCh38, 1-based): chr15:33,757,502, T>C. VCF-style: chr15-33757502-T-C. GRCh37 (hg19) VCF-style: chr15-34049703-T-C.
Other names: c.8611T>C, p.Phe2871Leu (NM_001243996.4); c.8611T>C (NM_001036.3); short protein forms F2871L.
Identifiers: ClinVar variation 640662 (VCV000640662.12), dbSNP rs551472479, ClinGen allele CA7460268.